The following is an entry in ClinVar:

NM_020884.7(MYH7B):c.5558G>A (p.Arg1853His)

Gene: MYH7B (myosin heavy chain 7B; plus strand). Cytogenetic location: 20q11.22.
Variant type: single nucleotide variant.
Coding change: c.5558G>A on transcript NM_020884.7 (MANE Select); coding-DNA position 5558, G replaced by A.
Protein change: p.Arg1853His; replaces arginine 1853 with histidine.
Molecular consequence: missense variant.
Genome position (GRCh38, 1-based): chr20:35,001,327, G>A. VCF-style: chr20-35001327-G-A. GRCh37 (hg19) VCF-style: chr20-33589130-G-A.
Other names: c.5684G>A (NM_020884.4); short protein forms R1853H.
Identifiers: ClinVar variation 1396841 (VCV001396841.7), dbSNP rs528021411, ClinGen allele CA9828627.

ClinVar aggregate classification (germline): Uncertain significance. Review status: criteria provided, multiple submitters, no conflicts (2 of 4 stars). 2 submissions from 2 submitters: Uncertain significance (2). Last evaluated 2025-10-19.

Conditions:
MYH7B-related disorder. Also called: MYH7B-related condition.

Allele frequency attached by ClinVar (database versions not stated): gnomAD exomes 0.00006; 1000 Genomes Project 30x 0.00016; 1000 Genomes Project 0.00020.
gnomAD v4.1: 97 of 1,610,954 alleles (0.006%); highest among the groups gnomAD compares: Middle Eastern, 0.017%; no homozygotes.

Submissions (2):

PreventionGenetics, part of Exact Sciences
Classification: Uncertain significance for MYH7B-related condition. Last evaluated: 2025-10-19. Review status: criteria provided, single submitter. Criteria: ACMG Guidelines, 2015. Collection method: clinical testing. Allele origin: germline.
Comment: The MYH7B c.5684G>A variant is predicted to result in the amino acid substitution p.Arg1895His. To our knowledge, this variant has not been reported in the literature. This variant is reported in 0.017% of alleles in individuals of South Asian descent in gnomAD. At this time, the clinical significance of this variant is uncertain due to the absence of conclusive functional and genetic evidence.

Labcorp Genetics (formerly Invitae), Labcorp
Classification: Uncertain significance. Last evaluated: 2024-10-27. Review status: criteria provided, single submitter. Criteria: Invitae Variant Classification Sherloc (09022015). Collection method: clinical testing. Allele origin: germline.
Comment: This sequence change replaces arginine, which is basic and polar, with histidine, which is basic and polar, at codon 1895 of the MYH7B protein (p.Arg1895His). This variant is present in population databases (rs528021411, gnomAD 0.02%). This variant has not been reported in the literature in individuals affected with MYH7B-related conditions. ClinVar contains an entry for this variant (Variation ID: 1396841). Invitae Evidence Modeling of protein sequence and biophysical properties (such as structural, functional, and spatial information, amino acid conservation, physicochemical variation, residue mobility, and thermodynamic stability) indicates that this missense variant is not expected to disrupt MYH7B protein function with a negative predictive value of 80%. In summary, the available evidence is currently insufficient to determine the role of this variant in disease. Therefore, it has been classified as a Variant of Uncertain Significance.